The following is an entry in ClinVar:

NM_001830.4(CLCN4):c.2182A>G (p.Thr728Ala)

Gene: CLCN4 (Cl-/H+ antiporter 4; plus strand). Cytogenetic location: Xp22.2.
Variant type: single nucleotide variant.
Coding change: c.2182A>G on transcript NM_001830.4 (MANE Select); coding-DNA position 2182, A replaced by G.
Protein change: p.Thr728Ala; replaces threonine 728 with alanine.
Molecular consequence: missense variant.
Genome position (GRCh38, 1-based): chrX:10,220,867, A>G. VCF-style: chrX-10220867-A-G. GRCh37 (hg19) VCF-style: chrX-10188907-A-G.
Other names: c.1900A>G, p.Thr634Ala (NM_001256944.2); short protein forms T634A, T728A.
Identifiers: ClinVar variation 3376200 (VCV003376200.1).

ClinVar aggregate classification (germline): Uncertain significance (1 of 4 stars; one submission).

Conditions:
Intellectual disability, X-linked 49 (MRXSRC). Also called: CLCN4-related X-linked intellectual disability syndrome; RAYNAUD-CLAES SYNDROME; MRX49; CLCN4-Related Neurodevelopmental Disorder; MENTAL RETARDATION, X-LINKED 15. Identifiers: Orphanet 485350, Orphanet 777, MedGen C0796221, MONDO:0010250, OMIM 300114.

gnomAD v4.1: 9 of 1,207,087 alleles (0.00075%); highest among the groups gnomAD compares: Non-Finnish European, 0.001%; no homozygotes.

Submission:

Pittsburgh Clinical Genomics Laboratory, University of Pittsburgh Medical Center
Classification: Uncertain significance for Intellectual disability, X-linked 49. Last evaluated: 2022-11-01. Review status: criteria provided, single submitter. Criteria: ACMG Guidelines, 2015. Collection method: clinical testing. Allele origin: germline. Inheritance: X-linked inheritance. Affected: yes.
Comment: This sequence variant is a single nucleotide substitution (A>G) at coding position 2182 of the CLCN4 gene that results in a threonine to alanine amino acid change at residue 728 of the CLCN4 protein. This variant has not been previously reported to databases of clinically relevant variants (ClinVar) or observed in the literature in individuals with CLCN4-related disease, to our knowledge. This variant is present in the gnomAD population database (1 of 112065 alleles or 0.001%). Bioinformatic tools predict that this variant would be damaging and the Thr728 residue is highly conserved across the vertebrate species examined. This variant falls within a cystathionine beta-synthetase domain (Uniprot) which is important for CLCN4 protein function. Functiol studies testing the effect of this variant on protein structure or activity have not been performed, to our knowledge. At this time, there is insufficient evidence to determine if this variant is pathogenic or benign. Therefore, we consider this to be a variant of uncertain significance. ACMG Criteria: PM2, PP3